The following is an entry in ClinVar:

NM_001377.3(DYNC2H1):c.4625C>T (p.Ala1542Val)

Gene: DYNC2H1 (dynein cytoplasmic 2 heavy chain 1; plus strand). Cytogenetic location: 11q22.3.
Variant type: single nucleotide variant.
Coding change: c.4625C>T on transcript NM_001377.3 (MANE Select); coding-DNA position 4625, C replaced by T.
Protein change: p.Ala1542Val; replaces alanine 1542 with valine.
Molecular consequence: missense variant.
Genome position (GRCh38, 1-based): chr11:103,165,911, C>T. VCF-style: chr11-103165911-C-T. GRCh37 (hg19) VCF-style: chr11-103036640-C-T.
Other names: c.4625C>T, p.Ala1542Val (NM_001080463.2); short protein forms A1542V.
Identifiers: ClinVar variation 373013 (VCV000373013.8), dbSNP rs1043384862, ClinGen allele CA16042810.

ClinVar aggregate classification (germline): Likely pathogenic. Review status: criteria provided, multiple submitters, no conflicts (2 of 4 stars). 7 submissions from 7 submitters: Likely pathogenic (5). 2 of the submissions do not count toward it. Last evaluated 2026-03-23.

Conditions:
Jeune thoracic dystrophy. Also called: Short-rib thoracic dysplasia; Jeune syndrome; Infantile thoracic dystrophy; Thoracic pelvic phalangeal dystrophy; Jeune's syndrome; Chondroectodermal dysplasia-like syndrome. Identifiers: Orphanet 474, MedGen C0265275, MONDO:0018770.
Asphyxiating thoracic dystrophy 3. Also called: SHORT-RIB THORACIC DYSPLASIA 3 WITH OR WITHOUT POLYDACTYLY; POLYDACTYLY WITH NEONATAL CHONDRODYSTROPHY, TYPE I; SHORT-RIB THORACIC DYSPLASIA 3/6 WITH POLYDACTYLY, DIGENIC; Short rib polydactyly syndrome 2B; Saldino-Noonan Syndrome. Identifiers: Orphanet 474, Orphanet 93269, Orphanet 93270, Orphanet 93271, MedGen C0036069, MONDO:0013127, OMIM 613091.

Allele frequency attached by ClinVar (database versions not stated): gnomAD 0.00001; TOPMed 0.00002.
gnomAD v4.1: 16 of 1,493,402 alleles (0.0011%); highest among the groups gnomAD compares: South Asian, 0.0028%; no homozygotes.

Submissions (7):

Women's Health and Genetics/Laboratory Corporation of America, LabCorp
Classification: Likely pathogenic for Asphyxiating thoracic dystrophy 3. Last evaluated: 2026-03-23. Review status: criteria provided, single submitter. Criteria: LabCorp Variant Classification Summary - May 2015. Collection method: clinical testing. Allele origin: germline.
Comment: Variant summary: DYNC2H1 c.4625C>T (p.Ala1542Val) results in a non-conservative amino acid change in the encoded protein sequence. Algorithms developed to predict the effect of missense changes on protein structure and function are either unavailable or do not agree on the potential impact of this missense change. The frequency data for this variant in gnomAD is considered unreliable, as metrics indicate poor data quality at this position. c.4625C>T has been observed in individuals affected with features of Short-rib thoracic dysplasia (e.g. Fokstuen_2016, Zhang_2018, Qi_2020, Zhao_2022). These data indicate that the variant is likely to be associated with disease. To our knowledge, no experimental evidence demonstrating an impact on protein function has been reported. The following publications have been ascertained in the context of this evaluation (PMID: 27353043, 29068549, 35929941, 33255631). ClinVar contains an entry for this variant (Variation ID: 373013). Based on the evidence outlined above, the variant was classified as likely pathogenic.

Labcorp Genetics (formerly Invitae), Labcorp
Classification: Likely pathogenic for Jeune thoracic dystrophy. Last evaluated: 2024-03-19. Review status: criteria provided, single submitter. Criteria: Invitae Variant Classification Sherloc (09022015). Collection method: clinical testing. Allele origin: germline.
Comment: This sequence change replaces alanine, which is neutral and non-polar, with valine, which is neutral and non-polar, at codon 1542 of the DYNC2H1 protein (p.Ala1542Val). The frequency data for this variant in the population databases is considered unreliable, as metrics indicate poor data quality at this position in the gnomAD database. This missense change has been observed in individual(s) with short-rib thoracic dysplasia with polydactyly (PMID: 27353043, 29068549, 35929941). In at least one individual the data is consistent with being in trans (on the opposite chromosome) from a pathogenic variant. ClinVar contains an entry for this variant (Variation ID: 373013). Advanced modeling of protein sequence and biophysical properties (such as structural, functional, and spatial information, amino acid conservation, physicochemical variation, residue mobility, and thermodynamic stability) has been performed at Invitae for this missense variant, however the output from this modeling did not meet the statistical confidence thresholds required to predict the impact of this variant on DYNC2H1 protein function. In summary, the currently available evidence indicates that the variant is pathogenic, but additional data are needed to prove that conclusively. Therefore, this variant has been classified as Likely Pathogenic.

Fulgent Genetics
Classification: Likely pathogenic for Asphyxiating thoracic dystrophy 3. Last evaluated: 2024-02-21. Review status: criteria provided, single submitter. Criteria: ACMG Guidelines, 2015. Collection method: clinical testing. Allele origin: germline.

GeneDx
Classification: Likely pathogenic. Last evaluated: 2016-09-09. Review status: criteria provided, single submitter. Criteria: GeneDx Variant Classification (06012015). Collection method: clinical testing. Allele origin: germline. Affected: yes.
Comment: A novel A1542V variant that is likely pathogenic has not been published as a pathogenic variant, nor has it been reported as a benign variant to our knowledge. The A1542V variant was not observed in approximately 5700 individuals of European and African American ancestry in the NHLBI Exome Sequencing Project, indicating it is not a common benign variant in these populations. The A1542V variant is a conservative amino acid substitution, which is not likely to impact secondary protein structure as these residues share similar properties. This substitution occurs at a position that is conserved across species. In silico analysis predicts this variant is probably damaging to the protein structure/function. A missense variant in a nearby residue (Gln1537Arg) has been reported in the Human Gene Mutation Database in association with SRTD3 (Stenson et al., 2014), supporting the functional importance of this region of the protein.

Center of Genomic medicine, Geneva, University Hospital of Geneva
Classification: Likely pathogenic for Asphyxiating thoracic dystrophy 3. Last evaluated: 2015-02-24. Review status: criteria provided, single submitter. Criteria: MacArthur et al. (Nature 2014). Collection method: clinical testing. Allele origin: paternal. Affected: yes.

Dan Cohn Lab, University Of California Los Angeles
Classification: Pathogenic for Asphyxiating thoracic dystrophy 3. Last evaluated: 2017-06-01. Review status: no assertion criteria provided. Collection method: research. Allele origin: paternal. Affected: yes. Not counted in ClinVar's aggregate classification.

University of Washington Center for Mendelian Genomics, University of Washington
Classification: Likely pathogenic for Asphyxiating thoracic dystrophy 3. Review status: no assertion criteria provided. Collection method: research. Allele origin: inherited. Affected: yes. Not counted in ClinVar's aggregate classification.

Literature cited by the submitters: PubMed 29068549 (cited by 4 submitters); PubMed 33255631 (cited by Women's Health and Genetics/Laboratory Corporation of America, LabCorp); PubMed 27353043 (cited by Women's Health and Genetics/Laboratory Corporation of America, LabCorp and Labcorp Genetics (formerly Invitae), Labcorp); PubMed 35929941 (cited by Women's Health and Genetics/Laboratory Corporation of America, LabCorp and Labcorp Genetics (formerly Invitae), Labcorp).